The following is an entry in ClinVar:

NM_023935.3(DDRGK1):c.904A>G (p.Ile302Val)

Gene: DDRGK1 (DDRGK domain containing 1; minus strand). Cytogenetic location: 20p13.
Variant type: single nucleotide variant.
Coding change: c.904A>G on transcript NM_023935.3 (MANE Select); coding-DNA position 904, A replaced by G.
Protein change: p.Ile302Val; replaces isoleucine 302 with valine.
Molecular consequence: missense variant.
Genome position (GRCh38, 1-based): chr20:3,190,694, T>C on the plus strand (A>G on the coding strand, the complement: DDRGK1 is on the minus strand). VCF-style: chr20-3190694-T-C. GRCh37 (hg19) VCF-style: chr20-3171340-T-C.
Other names: c.904A>G (NM_023935.1); short protein forms I302V.
Identifiers: ClinVar variation 1515673 (VCV001515673.7), dbSNP rs780899879, ClinGen allele CA9740720.

ClinVar aggregate classification (germline): Uncertain significance. Review status: criteria provided, multiple submitters, no conflicts (2 of 4 stars). 2 submissions from 2 submitters: Uncertain significance (2). Last evaluated 2022-12-05.

Conditions:
Inborn genetic diseases. Identifiers: MedGen C0950123, MeSH D030342.

Allele frequency attached by ClinVar (database versions not stated): gnomAD exomes below 0.00001 and 0.00001; ExAC 0.00002; TOPMed 0.00003.
gnomAD v4.1: 6 of 1,613,988 alleles (0.00037%); highest among the groups gnomAD compares: East Asian, 0.0089%; no homozygotes.

Submissions (2):

Ambry Genetics
Classification: Uncertain significance for Inborn genetic diseases. Last evaluated: 2022-12-05. Review status: criteria provided, single submitter. Criteria: Ambry Variant Classification Scheme 2023. Collection method: clinical testing. Allele origin: germline.

Labcorp Genetics (formerly Invitae), Labcorp
Classification: Uncertain significance. Last evaluated: 2022-06-28. Review status: criteria provided, single submitter. Criteria: Invitae Variant Classification Sherloc (09022015). Collection method: clinical testing. Allele origin: germline.
Comment: In summary, the available evidence is currently insufficient to determine the role of this variant in disease. Therefore, it has been classified as a Variant of Uncertain Significance. Algorithms developed to predict the effect of missense changes on protein structure and function are either unavailable or do not agree on the potential impact of this missense change (SIFT: "Not Available"; PolyPhen-2: "Benign"; Align-GVGD: "Not Available"). This variant has not been reported in the literature in individuals affected with DDRGK1-related conditions. This variant is present in population databases (rs780899879, gnomAD 0.01%). This sequence change replaces isoleucine, which is neutral and non-polar, with valine, which is neutral and non-polar, at codon 302 of the DDRGK1 protein (p.Ile302Val).